The following is an entry in ClinVar:

ClinVar aggregate classification (germline): Conflicting classifications of pathogenicity. Review status: criteria provided, conflicting classifications (1 of 4 stars). 2 submissions from 2 submitters: Likely pathogenic (1); Uncertain significance (1). Last evaluated 2026-06-09.

Conditions:
Cardiovascular phenotype. Identifiers: MedGen CN230736.

Submissions (2):

Ambry Genetics
Classification: Uncertain significance for Cardiovascular phenotype. Last evaluated: 2026-06-09. Review status: criteria provided, single submitter. Criteria: Ambry Variant Classification Scheme 2023. Collection method: clinical testing. Allele origin: germline.
Comment: The p.R139S variant (also known as c.415C>A), located in coding exon 9 of the TNNT2 gene, results from a C to A substitution at nucleotide position 415. The arginine at codon 139 is replaced by serine, an amino acid with dissimilar properties. Another variant at the same codon, p.R139H (c.416G>A), has been identified in individual(s) with features consistent with dilated cardiomyopathy (DCM) (Morales A et al. Clin Transl Sci, 2010 Oct;3:219-26). This amino acid position is highly conserved in available vertebrate species. In addition, this alteration is predicted to be deleterious by in silico analysis. Based on the available evidence, the clinical significance of this variant remains unclear.

GeneDx
Classification: Likely pathogenic. Last evaluated: 2015-09-17. Review status: criteria provided, single submitter. Criteria: GeneDx Variant Classification (06012015). Collection method: clinical testing. Allele origin: germline. Affected: yes.
Comment: The R139S variant has not been published as a pathogenic variant, nor has it been reported as a benign variant to our knowledge. The R139S variant was not observed in approximately 6,500 individuals of European and African American ancestry in the NHLBI Exome Sequencing Project, indicating it is not a common benign variant in these populations. The R139S variant is a semi-conservative amino acid substitution, which may impact secondary protein structure as these residues differ in some properties. This substitution occurs at a position that is conserved across species. In silico analysis predicts this variant is probably damaging to the protein structure/function. Missense variants in this same residue (R139C, R139H) and in nearby residues (R134G, Q138H, R141W, R141Q) have been reported in the Human Gene Mutation Database in association with DCM (Stenson et al., 2014), supporting the functional importance of this region of the protein.Therefore, this variant is likely pathogenic; however, the possibility that it is benign cannot be excluded.

NM_001276345.2(TNNT2):c.445C>A (p.Arg149Ser)

Gene: TNNT2 (troponin T2, cardiac type; minus strand). Cytogenetic location: 1q32.1.
Variant type: single nucleotide variant.
Coding change: c.445C>A on transcript NM_001276345.2 (MANE Select); coding-DNA position 445, C replaced by A.
Protein change: p.Arg149Ser; replaces arginine 149 with serine.
Molecular consequence: missense variant.
Genome position (GRCh38, 1-based): chr1:201,364,342, G>T on the plus strand (C>A on the coding strand, the complement: TNNT2 is on the minus strand). VCF-style: chr1-201364342-G-T. GRCh37 (hg19) VCF-style: chr1-201333470-G-T.
Other names: c.445C>A, p.Arg149Ser (NM_000364.4); c.415C>A, p.Arg139Ser (NM_001001430.3, NM_001001431.3, NM_001276347.2); c.400C>A, p.Arg134Ser (NM_001001432.3); c.325C>A, p.Arg109Ser (NM_001276346.2); short protein forms R139S, R149S, R109S, R134S.
Identifiers: ClinVar variation 430390 (VCV000430390.2), dbSNP rs397516465, ClinGen allele CA089867.